The following is an entry in ClinVar:

ClinVar aggregate classification (germline): Uncertain significance. Review status: criteria provided, multiple submitters, no conflicts (2 of 4 stars). 4 submissions from 4 submitters: Uncertain significance (4). Last evaluated 2025-08-11.

Conditions:
Inborn genetic diseases. Identifiers: MedGen C0950123, MeSH D030342.

Allele frequency attached by ClinVar (database versions not stated): ExAC 0.00004; TOPMed 0.00011; gnomAD 0.00014; ESP Exome Variant Server 0.00015; gnomAD exomes 0.00032.
gnomAD v4.1: 493 of 1,607,372 alleles (0.031%); highest among the groups gnomAD compares: Non-Finnish European, 0.039%; no homozygotes.

Submissions (4):

Labcorp Genetics (formerly Invitae), Labcorp
Classification: Uncertain significance. Last evaluated: 2025-08-11. Review status: criteria provided, single submitter. Criteria: Invitae Variant Classification Sherloc (09022015). Collection method: clinical testing. Allele origin: germline.
Comment: This sequence change replaces aspartic acid, which is acidic and polar, with glycine, which is neutral and non-polar, at codon 552 of the DGKE protein (p.Asp552Gly). This variant is present in population databases (rs149958932, gnomAD 0.02%). This variant has not been reported in the literature in individuals affected with DGKE-related conditions. ClinVar contains an entry for this variant (Variation ID: 2591476). An algorithm developed to predict the effect of missense changes on protein structure and function (PolyPhen-2) suggests that this variant is likely to be disruptive. In summary, the available evidence is currently insufficient to determine the role of this variant in disease. Therefore, it has been classified as a Variant of Uncertain Significance.

Blueprint Genetics
Classification: Uncertain significance. Last evaluated: 2024-10-11. Review status: criteria provided, single submitter. Criteria: ACMG Guidelines, 2015. Collection method: clinical testing. Allele origin: germline.

Mayo Clinic Laboratories, Mayo Clinic
Classification: Uncertain significance. Last evaluated: 2024-01-30. Review status: criteria provided, single submitter. Criteria: ACMG Guidelines, 2015. Collection method: clinical testing. Allele origin: germline. Observed: 1 variant allele.
Comment: BP4

Ambry Genetics
Classification: Uncertain significance for Inborn genetic diseases. Last evaluated: 2023-09-12. Review status: criteria provided, single submitter. Criteria: Ambry Variant Classification Scheme 2023. Collection method: clinical testing. Allele origin: germline.

NM_003647.3(DGKE):c.1655A>G (p.Asp552Gly)

Gene: DGKE (diacylglycerol kinase epsilon; plus strand). Cytogenetic location: 17q22.
Variant type: single nucleotide variant.
Coding change: c.1655A>G on transcript NM_003647.3 (MANE Select); coding-DNA position 1655, A replaced by G.
Protein change: p.Asp552Gly; replaces aspartic acid 552 with glycine.
Molecular consequence: missense variant.
Genome position (GRCh38, 1-based): chr17:56,862,742, A>G. VCF-style: chr17-56862742-A-G. GRCh37 (hg19) VCF-style: chr17-54940103-A-G.
Other names: p.Asp552Gly; short protein forms D552G.
Identifiers: ClinVar variation 2591476 (VCV002591476.5), dbSNP rs149958932, ClinGen allele CA8663868.